The following is an entry in ClinVar:

ClinVar aggregate classification (germline): Uncertain significance (1 of 4 stars; one submission).

Submission:

GeneDx
Classification: Uncertain significance. Last evaluated: 2024-07-26. Review status: criteria provided, single submitter. Criteria: GeneDx Variant Classification Process June 2021. Collection method: clinical testing. Allele origin: germline. Affected: yes.
Comment: Frameshift variant predicted to result in abnormal protein length as the last 301 amino acids are replaced with 300 different amino acids; Has not been previously published as pathogenic or benign to our knowledge

NM_006160.4(NEUROD2):c.242dup (p.Glu82fs)

Gene: NEUROD2 (neuronal differentiation 2; minus strand). Cytogenetic location: 17q12.
Variant type: Duplication.
Coding change: c.242dup on transcript NM_006160.4 (MANE Select); coding-DNA position 242, one base duplicated (G; older notation c.242dupG).
Protein change: p.Glu82fs; shifts the reading frame from glutamic acid 82.
Molecular consequence: frameshift variant.
Genome position (GRCh38, 1-based): chr17:39,606,358, C duplicated on the plus strand (G on the coding strand, the reverse complement: NEUROD2 is on the minus strand); the first of 6 consecutive C bases (chr17:39,606,358-39,606,363); duplicating any one gives the same sequence. VCF-style (leftmost placement, unchanged base first): chr17-39606357-T-TC. GRCh37 (hg19) VCF-style: chr17-37762610-T-TC.
Other names: short protein forms E82fs.
Identifiers: ClinVar variation 3600923 (VCV003600923.1).